The following is an entry in ClinVar:

ClinVar aggregate classification (germline): Uncertain significance (1 of 4 stars; one submission).

Conditions:
Immunodeficiency 14 (IMD14A). Also called: p110-DELTA-ACTIVATING MUTATION CAUSING SENESCENT T CELLS, LYMPHADENOPATHY, AND IMMUNODEFICIENCY; ACTIVATED PI3K-DELTA SYNDROME 1; Activated PI3K Delta Syndrome Type 1 (APDS1); IMMUNODEFICIENCY 14A WITH LYMPHOPROLIFERATION, AUTOSOMAL DOMINANT. Identifiers: Orphanet 397596, Orphanet 693661, MedGen C5907821, MONDO:0014222, OMIM 615513.
Combined immunodeficiency with faciooculoskeletal anomalies. Also called: Roifman-Chitayat syndrome; Roifman-Chitayat syndrome, digenic; COMBINED IMMUNODEFICIENCY, FACIAL DYSMORPHISM, OPTIC NERVE ATROPHY, SKELETAL ANOMALIES, AND DEVELOPMENTAL DELAY. Identifiers: Orphanet 221139, MedGen C2750068, MONDO:0013226, OMIM 613328.
Immunodeficiency 14b, autosomal recessive. Identifiers: MedGen C5543301, MONDO:0023655, OMIM 619281.

Submission:

Juno Genomics, Hangzhou Juno Genomics, Inc
Classification: Uncertain significance for Combined immunodeficiency with faciooculoskeletal anomalies; Immunodeficiency 14; Immunodeficiency 14b, autosomal recessive. Review status: criteria provided, single submitter. Criteria: ACMG Guidelines, 2015. Collection method: clinical testing. Allele origin: germline.
Comment: Absent from controls (or at extremely low frequency if recessive) in Genome Aggregation Database.;Missense variant in a gene that has a low rate of benign missense variation.;Multiple lines of computational evidence support a deleterious effect on the gene or gene product.

NM_005026.5(PIK3CD):c.2663T>C (p.Val888Ala)

Gene: PIK3CD (phosphatidylinositol-4,5-bisphosphate 3-kinase catalytic subunit delta; plus strand). Cytogenetic location: 1p36.22.
Variant type: single nucleotide variant.
Coding change: c.2663T>C on transcript NM_005026.5 (MANE Select); coding-DNA position 2663, T replaced by C.
Protein change: p.Val888Ala; replaces valine 888 with alanine.
Molecular consequence: missense variant.
Genome position (GRCh38, 1-based): chr1:9,724,037, T>C. VCF-style: chr1-9724037-T-C. GRCh37 (hg19) VCF-style: chr1-9784095-T-C.
Other names: c.2576T>C, p.Val859Ala (NM_001350235.1); c.2663T>C, p.Val888Ala (NM_001437546.1); c.2519T>C, p.Val840Ala (NM_001437547.1, NM_001438338.1); c.2660T>C, p.Val887Ala (NM_001439206.1, NM_001350234.2); short protein forms V887A, V859A, V888A, V840A.
Identifiers: ClinVar variation 5007334 (VCV005007334.2).